The following is an entry in ClinVar:

NM_001164760.2(PRKAR1B):c.796A>C (p.Thr266Pro)

Gene: PRKAR1B (protein kinase cAMP-dependent type I regulatory subunit beta; minus strand). Cytogenetic location: 7p22.3.
Variant type: single nucleotide variant.
Coding change: c.796A>C on transcript NM_001164760.2 (MANE Select); coding-DNA position 796, A replaced by C.
Protein change: p.Thr266Pro; replaces threonine 266 with proline.
Molecular consequence: missense variant.
Genome position (GRCh38, 1-based): chr7:579,351, T>G on the plus strand (A>C on the coding strand, the complement: PRKAR1B is on the minus strand). VCF-style: chr7-579351-T-G. GRCh37 (hg19) VCF-style: chr7-618988-T-G.
Other names: c.796A>C, p.Thr266Pro (NM_001164758.2, NM_001164759.1, NM_001164761.2 and 2 more transcripts); short protein forms T266P.
Identifiers: ClinVar variation 4082839 (VCV004082839.1).

ClinVar aggregate classification (germline): Uncertain significance (1 of 4 stars; one submission).

Submission:

GeneDx
Classification: Uncertain significance. Last evaluated: 2025-03-04. Review status: criteria provided, single submitter. Criteria: GeneDx Variant Classification Process June 2021. Collection method: clinical testing. Allele origin: germline. Affected: yes.
Comment: Not observed at significant frequency in large population cohorts (gnomAD); In silico analysis supports that this missense variant has a deleterious effect on protein structure/function; Has not been previously published as pathogenic or benign to our knowledge